The following is an entry in ClinVar:

ClinVar aggregate classification (germline): Likely pathogenic (1 of 4 stars; one submission).

Conditions:
Mitochondrial disease. Also called: Mitochondrial disorder; Mitochondrial disorders. Identifiers: Orphanet 68380, MedGen C0751651, MeSH D028361, MONDO:0044970.

Submission:

Eleanor M. Freitas Health Laboratory
Classification: Likely pathogenic for Mitochondrial disease. Review status: criteria provided, single submitter. Criteria: ACMG Guidelines, 2015. Collection method: research. Allele origin: germline. Inheritance: Autosomal recessive inheritance. Observed: 1 homozygote.
Comment: K234* p.(Lys234Ter) in NDUFS1 is an Insertion/Deletion (Indel) which according to VEP is a Frameshift mutation. GnomAD exomes reports a total frequency of 0.000004337. The homozygous allele count is 0. This is <2 for the Autosomal recessive (AR) gene NDUFS1, GenomAD Exomes reports good coverage of 31.5. This variant is found in exon 8 of19, before position 149 of 186 (coding, NMD). This frameshift variant in the NDUFS1 gene is predicted to cause nonsense-mediated decay (NMD) and loss of function, a known disease mechanism for disease. ClinGen disease reports NDUFS1 as definitive for Mitochondrial Disease and/or Leigh Syndrome. Therefore, the following criteria have been outlined above, PVS1 (Very Strong) and PM2 (Pathogenic Supporting). In conclusion, this variant shows sufficient evidence to satisfy the following assertion of "Likely Pathogenic', as per ACMG Guidelines (Richards et al. 2015)

NM_005006.7(NDUFS1):c.699dup (p.Lys234Ter)

Gene: NDUFS1 (NADH:ubiquinone oxidoreductase core subunit S1; minus strand). Cytogenetic location: 2q33.3.
Variant type: Duplication.
Coding change: c.699dup on transcript NM_005006.7 (MANE Select); coding-DNA position 699, one base duplicated (T; older notation c.699dupT).
Protein change: p.Lys234Ter; replaces lysine 234 with a stop codon.
Molecular consequence: nonsense.
Genome position (GRCh38, 1-based): chr2:206,146,941, A duplicated on the plus strand (T on the coding strand, the reverse complement: NDUFS1 is on the minus strand). VCF-style (leftmost placement, unchanged base first): chr2-206146940-T-TA. GRCh37 (hg19) VCF-style: chr2-207011664-T-TA.
Other names: p.Lys234Ter; c.591dup, p.Lys198Ter (NM_001199981.2); c.366dup, p.Lys123Ter (NM_001199982.2); c.528dup, p.Lys177Ter (NM_001199983.2); c.741dup, p.Lys248Ter (NM_001199984.2); short protein forms K123*, K177*, K198*, K234*, K248*.
Identifiers: ClinVar variation 3340476 (VCV003340476.1), dbSNP rs863224101.
Genomic context (GRCh38, chr2:206,146,940, plus strand): 5'-AATTGTCATAAAATAAAAGATACCTTGTTTCCCAAGGCCGGGCAGTAAAGGCATAGGGCT[T>TA]AGAGGTTAGGGCACCTACAGGGCAGATATCAATGATATTCCCAGACAGTTCAGACATGAA-3'